The following is an entry in ClinVar:

NM_000168.6(GLI3):c.91G>T (p.Glu31Ter)

Gene: GLI3 (GLI family zinc finger 3; minus strand). Cytogenetic location: 7p14.1.
Variant type: single nucleotide variant.
Coding change: c.91G>T on transcript NM_000168.6 (MANE Select); coding-DNA position 91, G replaced by T.
Protein change: p.Glu31Ter; replaces glutamic acid 31 with a stop codon.
Molecular consequence: nonsense.
Genome position (GRCh38, 1-based): chr7:42,223,163, C>A on the plus strand (G>T on the coding strand, the complement: GLI3 is on the minus strand). VCF-style: chr7-42223163-C-A. GRCh37 (hg19) VCF-style: chr7-42262762-C-A.
Other names: short protein forms E31*.
Identifiers: ClinVar variation 864278 (VCV000864278.7), dbSNP rs1788520333, ClinGen allele CA367551149.

ClinVar aggregate classification (germline): Pathogenic (1 of 4 stars; one submission).

Conditions:
Greig cephalopolysyndactyly syndrome (GCPS). Also called: POLYSYNDACTYLY WITH PECULIAR SKULL SHAPE; Greig syndrome; GLI3-Related Greig Cephalopolysyndactyly Syndrome. Identifiers: Orphanet 380, MedGen C0265306, MONDO:0008287, OMIM 175700.
Pallister-Hall syndrome (PHS). Also called: HYPOTHALAMIC HAMARTOBLASTOMA, HYPOPITUITARISM, IMPERFORATE ANUS, AND POSTAXIAL POLYDACTYLY; GLI3-Related Pallister-Hall Syndrome. Identifiers: Orphanet 672, MedGen C0265220, MONDO:0007804, OMIM 146510.

Submission:

Labcorp Genetics (formerly Invitae), Labcorp
Classification: Pathogenic for Pallister-Hall syndrome; Greig cephalopolysyndactyly syndrome. Last evaluated: 2024-02-24. Review status: criteria provided, single submitter. Criteria: Invitae Variant Classification Sherloc (09022015). Collection method: clinical testing. Allele origin: germline.
Comment: This sequence change creates a premature translational stop signal (p.Glu31*) in the GLI3 gene. It is expected to result in an absent or disrupted protein product. Loss-of-function variants in GLI3 are known to be pathogenic (PMID: 10441570, 15739154, 18000979, 24736735). This variant is not present in population databases (gnomAD no frequency). This variant has not been reported in the literature in individuals affected with GLI3-related conditions. ClinVar contains an entry for this variant (Variation ID: 864278). For these reasons, this variant has been classified as Pathogenic.

Literature cited by the submitters: PubMed 10441570; PubMed 15739154; PubMed 18000979; PubMed 24736735.